The following is an entry in ClinVar:

ClinVar aggregate classification (germline): Likely benign. Review status: criteria provided, multiple submitters, no conflicts (2 of 4 stars). 2 submissions from 2 submitters: Likely benign (2). Last evaluated 2026-01-21.

Conditions:
Multiple endocrine neoplasia, type 1 (MEN1). Also called: MEN I; WERMER SYNDROME; MEA I; Endocrine adenomatosis multiple; MEN 1. Identifiers: Orphanet 652, MedGen C0025267, MeSH D018761, MONDO:0007540, OMIM 131100.

Allele frequency attached by ClinVar (database versions not stated): gnomAD exomes 0.00001 and 0.00002; ExAC 0.00003.

Submissions (2):

Labcorp Genetics (formerly Invitae), Labcorp
Classification: Likely benign for Multiple endocrine neoplasia, type 1. Last evaluated: 2026-01-21. Review status: criteria provided, single submitter. Criteria: Invitae Variant Classification Sherloc (09022015). Collection method: clinical testing. Allele origin: germline.

Myriad Genetics, Inc.
Classification: Likely benign for Multiple endocrine neoplasia, type 1. Last evaluated: 2024-08-08. Review status: criteria provided, single submitter. Criteria: Myriad Autosomal Dominant, Autosomal Recessive and X-Linked Classification Criteria (2023). Collection method: clinical testing. Allele origin: unknown.
Comment: This variant is considered likely benign. This variant is intronic and is not expected to impact mRNA splicing. This variant has been observed at a population frequency that is significantly greater than expected given the associated disease prevalence and penetrance.

NM_001370259.2(MEN1):c.1350+6G>A

Gene: MEN1 (menin 1; minus strand). Cytogenetic location: 11q13.1.
Variant type: single nucleotide variant.
Coding change: c.1350+6G>A on transcript NM_001370259.2 (MANE Select); 6 bases into the intron after coding-DNA position 1350, G replaced by A.
Molecular consequence: intron variant.
Genome position (GRCh38, 1-based): chr11:64,805,028, C>T on the plus strand (G>A on the coding strand, the complement: MEN1 is on the minus strand). VCF-style: chr11-64805028-C-T. GRCh37 (hg19) VCF-style: chr11-64572500-C-T.
Other names: c.1365+6G>A (NM_130804.3, NM_130803.3, NM_000244.4 and 3 more transcripts); c.1350+6G>A (NM_130799.3, NM_001370260.2, NM_001370261.2); c.1476+6G>A (NM_001370251.2); c.1245+6G>A (NM_001370263.2, NM_001370262.2).
Identifiers: ClinVar variation 567079 (VCV000567079.11), dbSNP rs746077651, ClinGen allele CA060443.
Genomic context (GRCh38, chr11:64,805,028, plus strand): 5'-GTCTGACAAGCCCGTGGCTGCTGTCACCACCTGTAGTGCCCAGACCTCTGTGCAGCTGTC[C>T]CTCACCTGTCCCTCAAAACGGCCTAGGGACTGCACAAGAAAGGTGGCCCAGCCCACATGC-3'